The following is an entry in ClinVar:

ClinVar aggregate classification (germline): Benign/Likely benign. Review status: criteria provided, multiple submitters, no conflicts (2 of 4 stars). 3 submissions from 3 submitters: Benign (1); Likely benign (2). Last evaluated 2026-06-16.

Conditions:
Polyps, multiple and recurrent inflammatory fibroid, gastrointestinal. Identifiers: MedGen C5193005, MONDO:0008285, OMIM 175510.
Gastrointestinal stromal tumor. Also called: Gastrointestinal stromal tumor, somatic; Gastrointestinal stroma tumor. Identifiers: Orphanet 44890, MedGen C0238198, MeSH D046152, MONDO:0011719, OMIM 606764, HP:0100723.
Hereditary cancer-predisposing syndrome. Also called: Neoplastic Syndromes, Hereditary; Hereditary Cancer Syndrome; Hereditary neoplastic syndrome; Tumor predisposition. Identifiers: Orphanet 140162, MedGen C0027672, MeSH D009386, MONDO:0015356.

Allele frequency attached by ClinVar (database versions not stated): gnomAD 0.00001; TOPMed 0.00002.
gnomAD v4.1: 2 of 1,613,858 alleles (0.00012%); highest among the groups gnomAD compares: Non-Finnish European, 0.000085%; no homozygotes.

Submissions (3):

Myriad Genetics, Inc.
Classification: Benign for Polyps, multiple and recurrent inflammatory fibroid, gastrointestinal. Last evaluated: 2026-06-16. Review status: criteria provided, single submitter. Criteria: Myriad Autosomal Dominant, Autosomal Recessive and X-Linked Classification Criteria (2023). Collection method: clinical testing. Allele origin: unknown.
Comment: This variant is considered benign. This variant is a silent/synonymous amino acid change and it is not expected to impact splicing.

Labcorp Genetics (formerly Invitae), Labcorp
Classification: Likely benign for Gastrointestinal stromal tumor. Last evaluated: 2025-10-21. Review status: criteria provided, single submitter. Criteria: Invitae Variant Classification Sherloc (09022015). Collection method: clinical testing. Allele origin: germline.

Ambry Genetics
Classification: Likely benign for Hereditary cancer-predisposing syndrome. Last evaluated: 2022-07-27. Review status: criteria provided, single submitter. Criteria: Ambry Variant Classification Scheme 2023. Collection method: clinical testing. Allele origin: germline.

NM_006206.6(PDGFRA):c.849A>G (p.Lys283=)

Gene: PDGFRA (platelet derived growth factor receptor alpha; plus strand). Cytogenetic location: 4q12.
Variant type: single nucleotide variant.
Coding change: c.849A>G on transcript NM_006206.6 (MANE Select); coding-DNA position 849, A replaced by G.
Protein change: p.Lys283=; no amino-acid change (lysine 283 retained).
Molecular consequence: synonymous variant.
Genome position (GRCh38, 1-based): chr4:54,267,378, A>G. VCF-style: chr4-54267378-A-G. GRCh37 (hg19) VCF-style: chr4-55133545-A-G.
Other names: c.849A>G, p.Lys283= (NM_001347827.2, NM_001347829.2); c.924A>G, p.Lys308= (NM_001347828.2); c.888A>G, p.Lys296= (NM_001347830.2).
Identifiers: ClinVar variation 696718 (VCV000696718.14), dbSNP rs1399641139, ClinGen allele CA439286215.